The following is an entry in ClinVar:

NM_006766.5(KAT6A):c.5210G>A (p.Gly1737Glu)

Gene: KAT6A (lysine acetyltransferase 6A; minus strand). Cytogenetic location: 8p11.21.
Variant type: single nucleotide variant.
Coding change: c.5210G>A on transcript NM_006766.5 (MANE Select); coding-DNA position 5210, G replaced by A.
Protein change: p.Gly1737Glu; replaces glycine 1737 with glutamic acid.
Molecular consequence: missense variant.
Genome position (GRCh38, 1-based): chr8:41,933,010, C>T on the plus strand (G>A on the coding strand, the complement: KAT6A is on the minus strand). VCF-style: chr8-41933010-C-T. GRCh37 (hg19) VCF-style: chr8-41790528-C-T.
Other names: short protein forms G1737E.
Identifiers: ClinVar variation 2446267 (VCV002446267.2), dbSNP rs2486752295, ClinGen allele CA371063227.

ClinVar aggregate classification (germline): Uncertain significance (1 of 4 stars; one submission).

Allele frequency attached by ClinVar (database versions not stated): gnomAD exomes below 0.00001.
gnomAD v4.1: 1 of 1,614,082 alleles (0.000062%); highest among the groups gnomAD compares: Non-Finnish European, 0.000085%; no homozygotes.

Submission:

GeneDx
Classification: Uncertain significance. Last evaluated: 2025-05-08. Review status: criteria provided, single submitter. Criteria: GeneDx Variant Classification Process June 2021. Collection method: clinical testing. Allele origin: germline.
Comment: Not observed at significant frequency in large population cohorts (gnomAD); In silico analysis suggests that this missense variant does not alter protein structure/function; Has not been previously published as pathogenic or benign to our knowledge